The following is an entry in ClinVar:

ClinVar aggregate classification (germline): Uncertain significance (1 of 4 stars; one submission).

Conditions:
Pseudohypoaldosteronism, type IB1, autosomal recessive. Also called: Pseudohypoaldosteronism, Type I, Recessive; Autosomal recessive pseudohypoaldosteronism type 1; PHA I, AUTOSOMAL RECESSIVE; Pseudohypoaldosteronism, Type I, Autosomal Recessive. Identifiers: Orphanet 171876, Orphanet 756, MedGen C5774176, MONDO:0009917, OMIM 264350.

Submission:

Johns Hopkins Genomics, Johns Hopkins University
Classification: Uncertain significance for Pseudohypoaldosteronism, type IB1, autosomal recessive. Last evaluated: 2022-08-03. Review status: criteria provided, single submitter. Criteria: ACMG Guidelines, 2015. Collection method: clinical testing. Allele origin: germline.
Comment: This SCNN1A in-frame duplication variant is rare (<0.1%) in a large population dataset (gnomAD v3.1.2: 1/151276 total alleles; 0.0007%; no homozygotes). It has not been reported in ClinVar, nor the literature, to our knowledge. Bioinformatic analysis predicts that this in-frame duplication variant would not affect normal exon 3 splicing, although this has not been confirmed experimentally to our knowledge. The aspartic acid, tryptophan and lysine residues at p.221-223 are evolutionarily conserved across many of the species assessed. We consider the clinical significance of c.661_669dupGACTGGAAG in SCNN1A to be uncertain at this time.

NM_001038.6(SCNN1A):c.652GACTGGAAG[3] (p.Lys223_Ile224insAspTrpLys)

Gene: SCNN1A (sodium channel epithelial 1 subunit alpha; minus strand). Cytogenetic location: 12p13.31.
Variant type: Microsatellite.
Coding change: c.652GACTGGAAG[3] on transcript NM_001038.6 (MANE Select); three copies in a row of the 9-base unit GACTGGAAG starting at c.652; the reference has two copies in a row; one copy, 9 bases duplicated.
Protein change: p.Lys223_Ile224insAspTrpLys.
Molecular consequence: inframe insertion.
Genome position (GRCh38, 1-based): chr12:6,363,458-6,363,466, CTTCCAGTC duplicated on the plus strand (GACTGGAAG on the coding strand, the reverse complement: SCNN1A is on the minus strand); duplicating any 9 consecutive bases within chr12:6,363,458-6,363,476 gives the same sequence; the position shown is the placement nearest the transcript's 3' end. VCF-style (leftmost placement, unchanged base first): chr12-6363457-T-TCTTCCAGTC. GRCh37 (hg19) VCF-style: chr12-6472623-T-TCTTCCAGTC.
Other names: c.721GACTGGAAG[3], p.Lys246_Ile247insAspTrpLys (NM_001159575.2); c.829GACTGGAAG[3], p.Lys282_Ile283insAspTrpLys (NM_001159576.2); c.661_669dupGACTGGAAG (NM_001038.6).
Identifiers: ClinVar variation 1704399 (VCV001704399.1), dbSNP rs1290235475, ClinGen allele CA944350461.
Genomic context (GRCh38, chr12:6,363,457, plus strand): 5'-GGGCCGGCGAGGGGCGGGGCGGGCCCCTCGGCGCTGCGGGCCTCACCAGCTGGAAGCCGA[T>TCTTCCAGTC]CTTCCAGTCCTTCCAGTCCACCTGGGGGTTGTTGTCCCGCAAGCTGGAGGCCACGCTACG-3'